The following is an entry in ClinVar:

NM_001042492.3(NF1):c.7046G>A (p.Arg2349His)

Gene: NF1 (neurofibromin 1; plus strand). Cytogenetic location: 17q11.2.
Variant type: single nucleotide variant.
Coding change: c.7046G>A on transcript NM_001042492.3 (MANE Select); coding-DNA position 7046, G replaced by A.
Protein change: p.Arg2349His; replaces arginine 2349 with histidine.
Molecular consequence: missense variant.
Genome position (GRCh38, 1-based): chr17:31,340,629, G>A. VCF-style: chr17-31340629-G-A. GRCh37 (hg19) VCF-style: chr17-29667647-G-A.
Other names: c.6983G>A, p.Arg2328His (NM_000267.4); short protein forms R2349H, R2328H.
Identifiers: ClinVar variation 219389 (VCV000219389.21), dbSNP rs864622065, ClinGen allele CA350646.

ClinVar aggregate classification (germline): Conflicting classifications of pathogenicity. Review status: criteria provided, conflicting classifications (1 of 4 stars). 7 submissions from 6 submitters: Uncertain significance (4); Benign (1); Likely benign (2). Last evaluated 2026-01-16.

Conditions:
NF1-related disorder. Also called: NF1-related condition. Identifiers: MedGen CN379171.
Cardiovascular phenotype. Identifiers: MedGen CN230736.
Hereditary cancer-predisposing syndrome. Also called: Neoplastic Syndromes, Hereditary; Tumor predisposition; Hereditary Cancer Syndrome; Hereditary neoplastic syndrome. Identifiers: Orphanet 140162, MedGen C0027672, MeSH D009386, MONDO:0015356.
Neurofibromatosis, type 1 (NF1). Also called: NEUROFIBROMATOSIS, TYPE I, SOMATIC; Peripheral type neurofibromatosis; Neurofibromatosis, type I; VON RECKLINGHAUSEN DISEASE. Identifiers: Orphanet 636, MedGen C0027831, MONDO:0018975, OMIM 162200. Disease mechanism: loss of function.

Allele frequency attached by ClinVar (database versions not stated): gnomAD exomes below 0.00001; TOPMed 0.00002; gnomAD 0.00003 and 0.00004.
gnomAD v4.1: 26 of 1,613,826 alleles (0.0016%); highest among the groups gnomAD compares: East Asian, 0.0045%; no homozygotes.

Submissions (7):

Labcorp Genetics (formerly Invitae), Labcorp
Classification: Benign for Neurofibromatosis, type 1. Last evaluated: 2026-01-16. Review status: criteria provided, single submitter. Criteria: Invitae Variant Classification Sherloc (09022015). Collection method: clinical testing. Allele origin: germline.

PreventionGenetics, part of Exact Sciences
Classification: Likely benign for NF1-related condition. Last evaluated: 2025-12-19. Review status: criteria provided, single submitter. Criteria: ACMG Guidelines, 2015. Collection method: clinical testing. Allele origin: germline.
Comment: This variant is classified as likely benign based on ACMG/AMP sequence variant interpretation guidelines (Richards et al. 2015 PMID: 25741868, with internal and published modifications).

Ambry Genetics
Classification: Uncertain significance for Cardiovascular phenotype; Hereditary cancer-predisposing syndrome. Last evaluated: 2025-12-02. Review status: criteria provided, single submitter. Criteria: Ambry Variant Classification Scheme 2023. Collection method: clinical testing. Allele origin: germline.
Comment: The c.6983G>A (p.R2328H) alteration is located in exon 46 (coding exon 46) of the NF1 gene. This alteration results from a G to A substitution at nucleotide position 6983, causing the arginine (R) at amino acid position 2328 to be replaced by a histidine (H). Based on data from gnomAD, the A allele has an overall frequency of <0.001% (1/251408) total alleles studied. The highest observed frequency was 0.005% (1/18390) of East Asian alleles. Based on insufficient or conflicting evidence, the clinical significance of this alteration remains unclear.

Blueprint Genetics
Classification: Likely benign. Last evaluated: 2022-06-22. Review status: criteria provided, single submitter. Criteria: ACMG Guidelines, 2015. Collection method: clinical testing. Allele origin: germline.

GeneDx
Classification: Uncertain significance. Last evaluated: 2022-06-03. Review status: criteria provided, single submitter. Criteria: GeneDx Variant Classification Process June 2021. Collection method: clinical testing. Allele origin: germline. Affected: yes.
Comment: In silico analysis supports that this missense variant does not alter protein structure/function; Has not been previously published as pathogenic or benign to our knowledge; This variant is associated with the following publications: (PMID: 25486365)

Genome-Nilou Lab
Classification: Uncertain significance for Neurofibromatosis, type 1. Last evaluated: 2022-03-15. Review status: criteria provided, single submitter. Criteria: ACMG Guidelines, 2015. Collection method: clinical testing. Allele origin: germline. Affected: no.

Ambry Genetics
Classification: Uncertain significance for Hereditary cancer-predisposing syndrome. Last evaluated: 2015-08-05. Review status: criteria provided, single submitter. Criteria: Ambry Autosomal Dominant and X-Linked criteria (10/2015). Collection method: clinical testing. Allele origin: germline. Observed: 1 variant allele.
Comment: The p.R2349H variant (also known as c.7046G>A), located in coding exon 47 of the NF1 gene, results from a G to A substitution at nucleotide position 7046. The arginine at codon 2349 is replaced by histidine, an amino acid with highly similar properties. This variant was not reported in population based cohorts in the following databases: Database of Single Nucleotide Polymorphisms (dbSNP), NHLBI Exome Sequencing Project (ESP), and 1000 Genomes Project. In the ESP, this variant was not observed in 6503 samples (13006 alleles) with coverage at this position. To date, this alteration has been detected with an allele frequency of approximately 0.01% (greater than 55000 alleles tested) in our clinical cohort. This amino acid position is well conserved in available vertebrate species. In addition, the in silico prediction for this alteration is inconclusive. Since supporting evidence is limited at this time, the clinical significance of p.R2349H remains unclear.